The following is an entry in ClinVar:

NM_024675.4(PALB2):c.470C>T (p.Ser157Leu)

Gene: PALB2 (partner and localizer of BRCA2; minus strand). Cytogenetic location: 16p12.2.
Variant type: single nucleotide variant.
Coding change: c.470C>T on transcript NM_024675.4 (MANE Select); coding-DNA position 470, C replaced by T.
Protein change: p.Ser157Leu; replaces serine 157 with leucine.
Molecular consequence: missense variant.
Genome position (GRCh38, 1-based): chr16:23,636,076, G>A on the plus strand (C>T on the coding strand, the complement: PALB2 is on the minus strand). VCF-style: chr16-23636076-G-A. GRCh37 (hg19) VCF-style: chr16-23647397-G-A.
Other names: short protein forms S157L.
Identifiers: ClinVar variation 410140 (VCV000410140.21), dbSNP rs749078410, ClinGen allele CA7963792.

ClinVar aggregate classification (germline): Uncertain significance. Review status: criteria provided, multiple submitters, no conflicts (2 of 4 stars). 6 submissions from 6 submitters: Uncertain significance (6). Last evaluated 2025-05-19.

Conditions:
Hereditary cancer-predisposing syndrome. Also called: Tumor predisposition; Hereditary Cancer Syndrome; Hereditary neoplastic syndrome; Neoplastic Syndromes, Hereditary. Identifiers: Orphanet 140162, MedGen C0027672, MeSH D009386, MONDO:0015356.
Familial cancer of breast. Also called: BREAST CANCER, FAMILIAL; Hereditary breast cancer; hereditary breast carcinoma. Identifiers: Orphanet 227535, MedGen C0346153, MONDO:0016419, OMIM 114480. Disease mechanism: loss of function.

Allele frequency attached by ClinVar (database versions not stated): gnomAD 0.00001; gnomAD exomes 0.00002; ExAC 0.00003.
gnomAD v4.1: 10 of 1,613,882 alleles (0.00062%); highest among the groups gnomAD compares: Non-Finnish European, 0.00085%; no homozygotes.

Submissions (6):

Labcorp Genetics (formerly Invitae), Labcorp
Classification: Uncertain significance for Familial cancer of breast. Last evaluated: 2025-05-19. Review status: criteria provided, single submitter. Criteria: Invitae Variant Classification Sherloc (09022015). Collection method: clinical testing. Allele origin: germline.
Comment: This sequence change replaces serine, which is neutral and polar, with leucine, which is neutral and non-polar, at codon 157 of the PALB2 protein (p.Ser157Leu). This variant is present in population databases (rs749078410, gnomAD 0.004%). This variant has not been reported in the literature in individuals affected with PALB2-related conditions. ClinVar contains an entry for this variant (Variation ID: 410140). An algorithm developed to predict the effect of missense changes on protein structure and function (PolyPhen-2) suggests that this variant is likely to be tolerated. In summary, the available evidence is currently insufficient to determine the role of this variant in disease. Therefore, it has been classified as a Variant of Uncertain Significance.

Ambry Genetics
Classification: Uncertain significance for Hereditary cancer-predisposing syndrome. Last evaluated: 2025-02-28. Review status: criteria provided, single submitter. Criteria: Ambry Variant Classification Scheme 2023. Collection method: clinical testing. Allele origin: germline.
Comment: The p.S157L variant (also known as c.470C>T), located in coding exon 4 of the PALB2 gene, results from a C to T substitution at nucleotide position 470. The serine at codon 157 is replaced by leucine, an amino acid with dissimilar properties. This amino acid position is well conserved in available vertebrate species. In addition, this alteration is predicted to be tolerated by in silico analysis. Since supporting evidence is limited at this time, the clinical significance of this alteration remains unclear.

Quest Diagnostics Nichols Institute San Juan Capistrano
Classification: Uncertain significance. Last evaluated: 2024-12-16. Review status: criteria provided, single submitter. Criteria: Quest Diagnostics criteria. Collection method: clinical testing. Allele origin: unknown.
Comment: The PALB2 c.470C>T (p.Ser157Leu) variant has been reported in the published literature in individuals with breast cancer in a breast cancer association study (PMID: 33471991 (2021), see also LOVD). The frequency of this variant in the general population (Genome Aggregation Database) is uninformative in the assessment of its pathogenicity. Analysis of this variant using bioinformatics tools for the prediction of the effect of amino acid changes on protein structure and function yielded predictions that this variant is benign. Based on the available information, we are unable to determine the clinical significance of this variant.

Color Diagnostics, LLC DBA Color Health
Classification: Uncertain significance for Hereditary cancer-predisposing syndrome. Last evaluated: 2023-05-31. Review status: criteria provided, single submitter. Criteria: ACMG Guidelines, 2015. Collection method: clinical testing. Allele origin: germline.
Comment: This missense variant replaces serine with leucine at codon 157 of the PALB2 protein. Computational prediction suggests that this variant may not impact protein structure and function (internally defined REVEL score threshold <= 0.5, PMID: 27666373). To our knowledge, functional studies have not been reported for this variant. This variant has been detected in at least three individuals affected with breast cancer (PMID: 33471991; Leiden Open Variation Database DB-ID PALB2_011177; Color internal data). This variant has been identified in 5/282784 chromosomes in the general population by the Genome Aggregation Database (gnomAD). The available evidence is insufficient to determine the role of this variant in disease conclusively. Therefore, this variant is classified as a Variant of Uncertain Significance.

Sema4
Classification: Uncertain significance for Hereditary cancer-predisposing syndrome. Last evaluated: 2021-04-11. Review status: criteria provided, single submitter. Criteria: Sema4 Curation Guidelines. Collection method: curation. Allele origin: germline.
Comment: The PALB2 c.470C>T (p.S157L) variant has not been reported in the literature to our knowledge. It was observed in 5/129132 chromosomes of the Non-Finnish European subpopulation by the Genome Aggregation Database. The variant has been reported in ClinVar (Variation ID 410140). In silico tools suggest the impact of the variant on protein function is benign, though these predictions have not been confirmed by functional studies. The evidence is insufficient to meet ACMG/AMP criteria for classifying the variant as benign or pathogenic. Thus, the clinical significance of this variant is currently uncertain.

GeneDx
Classification: Uncertain significance. Last evaluated: 2018-06-05. Review status: criteria provided, single submitter. Criteria: GeneDx Variant Classification (06012015). Collection method: clinical testing. Allele origin: germline. Affected: yes.
Comment: This variant is denoted PALB2 c.470C>T at the cDNA level, p.Ser157Leu (S157L) at the protein level, and results in the change of a Serine to a Leucine (TCA>TTA). This variant has not, to our knowledge, been published in the literature as a pathogenic or benign germline variant. PALB2 Ser157Leu was not observed at a significant allele frequency in large population cohorts (Lek 2016). PALB2 Ser157Leu is located in the region of interaction with BRCA1 and RAD51 (Sy 2009, Buisson 2010). In silico analysis, which includes protein predictors and evolutionary conservation, supports a deleterious effect. Based on currently available evidence, it is unclear whether PALB2 Ser157Leu is a pathogenic or benign variant. We consider it to be a variant of uncertain significance.

Literature cited by the submitters: PubMed 33471991 (cited by Quest Diagnostics Nichols Institute San Juan Capistrano and Color Diagnostics, LLC DBA Color Health).